The following is an entry in ClinVar:

NM_005883.3(APC2):c.332A>G (p.His111Arg)

Gene: APC2 (APC regulator of Wnt signaling pathway 2; plus strand). Cytogenetic location: 19p13.3.
Variant type: single nucleotide variant.
Coding change: c.332A>G on transcript NM_005883.3 (MANE Select); coding-DNA position 332, A replaced by G.
Protein change: p.His111Arg; replaces histidine 111 with arginine.
Molecular consequence: missense variant.
Genome position (GRCh38, 1-based): chr19:1,453,530, A>G. VCF-style: chr19-1453530-A-G. GRCh37 (hg19) VCF-style: chr19-1453529-A-G.
Other names: c.332A>G, p.His111Arg (NM_001351273.1); short protein forms H111R.
Identifiers: ClinVar variation 2794653 (VCV002794653.3), dbSNP rs2083772215, ClinGen allele CA403010516.
Genomic context (GRCh38, chr19:1,453,530, plus strand): 5'-TCCAGCCGCCCACCCTGGGCCCGGAGCCTGCCGCCCGGACCCCCGAGGGCAGCCCAGTAC[A>G]CGGCTCCGGGCCCTCCAAGGACAGCTTTGGGGAGCTGAGCCGGGCCACCATCCGGCTGCT-3'
Protein context (NP_005874.1, residues 101-121): AARTPEGSPV[His111Arg]GSGPSKDSFG

ClinVar aggregate classification (germline): Uncertain significance (1 of 4 stars; one submission).

Allele frequency attached by ClinVar (database versions not stated): TOPMed below 0.00001.

Submission:

Labcorp Genetics (formerly Invitae), Labcorp
Classification: Uncertain significance. Last evaluated: 2023-12-13. Review status: criteria provided, single submitter. Criteria: Invitae Variant Classification Sherloc (09022015). Collection method: clinical testing. Allele origin: germline.
Comment: This sequence change replaces histidine, which is basic and polar, with arginine, which is basic and polar, at codon 111 of the APC2 protein (p.His111Arg). This variant is not present in population databases (gnomAD no frequency). This variant has not been reported in the literature in individuals affected with APC2-related conditions. An algorithm developed to predict the effect of missense changes on protein structure and function (PolyPhen-2) suggests that this variant is likely to be disruptive. In summary, the available evidence is currently insufficient to determine the role of this variant in disease. Therefore, it has been classified as a Variant of Uncertain Significance.